The following is an entry in ClinVar:

ClinVar aggregate classification (germline): Uncertain significance (1 of 4 stars; one submission).

Submission:

GeneDx
Classification: Uncertain significance. Last evaluated: 2023-10-14. Review status: criteria provided, single submitter. Criteria: GeneDx Variant Classification Process June 2021. Collection method: clinical testing. Allele origin: germline. Affected: yes.
Comment: Not observed at significant frequency in large population cohorts (gnomAD); In silico analysis supports a deleterious effect on protein structure/function; Has not been previously published as pathogenic or benign to our knowledge

NM_000441.2(SLC26A4):c.1216_1218delinsCCC (p.Ala406Pro)

Gene: SLC26A4 (solute carrier family 26 member 4; plus strand). Cytogenetic location: 7q22.3.
Variant type: Indel.
Coding change: c.1216_1218delinsCCC on transcript NM_000441.2 (MANE Select); coding-DNA positions 1216 to 1218, GCT replaced by CCC.
Protein change: p.Ala406Pro; replaces alanine 406 with proline.
Molecular consequence: missense variant.
Genome position (GRCh38, 1-based): chr7:107,690,190-107,690,192, GCT replaced by CCC. VCF-style: chr7-107690190-GCT-CCC. GRCh37 (hg19) VCF-style: chr7-107330635-GCT-CCC.
Other names: short protein forms A406P.
Identifiers: ClinVar variation 3366076 (VCV003366076.1).